The following is an entry in ClinVar:

NM_001848.3(COL6A1):c.1776+198C>T

Gene: COL6A1 (collagen type VI alpha 1 chain; plus strand). Cytogenetic location: 21q22.3.
Variant type: single nucleotide variant.
Coding change: c.1776+198C>T on transcript NM_001848.3 (MANE Select); 198 bases into the intron after coding-DNA position 1776, C replaced by T.
Molecular consequence: intron variant.
Genome position (GRCh38, 1-based): chr21:45,999,890, C>T. VCF-style: chr21-45999890-C-T. GRCh37 (hg19) VCF-style: chr21-47419804-C-T.
Identifiers: ClinVar variation 679184 (VCV000679184.2), dbSNP rs8131227, ClinGen allele CA15985489.

ClinVar aggregate classification (germline): Benign. Review status: criteria provided, multiple submitters, no conflicts (2 of 4 stars). 2 submissions from 2 submitters: Benign (2). Last evaluated 2018-06-14.

gnomAD v4.1: 84,171 of 90,568 alleles (93%); highest among the groups gnomAD compares: Admixed American, 95%; 38,946 homozygotes.

Submissions (2):

GeneDx
Classification: Benign. Last evaluated: 2018-06-14. Review status: criteria provided, single submitter. Criteria: GeneDx Variant Classification (06012015). Collection method: clinical testing. Allele origin: germline. Affected: yes.
Comment: This variant is considered likely benign or benign based on one or more of the following criteria: it is a conservative change, it occurs at a poorly conserved position in the protein, it is predicted to be benign by multiple in silico algorithms, and/or has population frequency not consistent with disease.

Breakthrough Genomics
Classification: Benign. Review status: criteria provided, single submitter. Criteria: ACMG Guidelines, 2015. Collection method: not provided. Allele origin: germline. Inheritance: Autosomal recessive inheritance. Affected: yes.